The following is an entry in ClinVar:

NM_007194.4(CHEK2):c.485A>T (p.Asp162Val)

Gene: CHEK2 (checkpoint kinase 2; minus strand). Cytogenetic location: 22q12.1.
Variant type: single nucleotide variant.
Coding change: c.485A>T on transcript NM_007194.4 (MANE Select); coding-DNA position 485, A replaced by T.
Protein change: p.Asp162Val; replaces aspartic acid 162 with valine.
Molecular consequence: missense variant. On other transcripts: 5 prime UTR variant (2), intron variant (1).
Genome position (GRCh38, 1-based): chr22:28,725,084, T>A on the plus strand (A>T on the coding strand, the complement: CHEK2 is on the minus strand). VCF-style: chr22-28725084-T-A. GRCh37 (hg19) VCF-style: chr22-29121072-T-A.
Other names: c.614A>T, p.Asp205Val (NM_001005735.3, NM_001438294.1); c.-293A>T (NM_001257387.3); c.-179A>T (NM_001437942.1); c.578A>T, p.Asp193Val (NM_001438293.1, NM_001438295.1); c.485A>T, p.Asp162Val (NM_145862.3); c.444+159A>T (NM_001349956.3); short protein forms D162V, D205V, D193V.
Identifiers: ClinVar variation 645051 (VCV000645051.15), dbSNP rs587781652, ClinGen allele CA411107566.

ClinVar aggregate classification (germline): Uncertain significance. Review status: criteria provided, multiple submitters, no conflicts (2 of 4 stars). 3 submissions from 3 submitters: Uncertain significance (3). Last evaluated 2025-06-10.

Conditions:
Hereditary cancer-predisposing syndrome. Also called: Hereditary Cancer Syndrome; Tumor predisposition; Hereditary neoplastic syndrome; Neoplastic Syndromes, Hereditary. Identifiers: Orphanet 140162, MedGen C0027672, MeSH D009386, MONDO:0015356.
Familial cancer of breast. Also called: hereditary breast carcinoma; Hereditary breast cancer; BREAST CANCER, FAMILIAL. Identifiers: Orphanet 227535, MedGen C0346153, MONDO:0016419, OMIM 114480. Disease mechanism: loss of function.

Submissions (3):

Women's Health and Genetics/Laboratory Corporation of America, LabCorp
Classification: Uncertain significance. Last evaluated: 2025-06-10. Review status: criteria provided, single submitter. Criteria: LabCorp Variant Classification Summary - May 2015. Collection method: clinical testing. Allele origin: germline.
Comment: Variant summary: CHEK2 c.485A>T (p.Asp162Val) results in a non-conservative amino acid change in the encoded protein sequence. Algorithms developed to predict the effect of missense changes on protein structure and function all suggest that this variant is likely to be disruptive. The variant was absent in 251408 control chromosomes. The available data on variant occurrences in the general population are insufficient to allow any conclusion about variant significance. To our knowledge, no occurrence of c.485A>T in individuals affected with CHEK2-related conditions and no experimental evidence demonstrating its impact on protein function have been reported. ClinVar contains an entry for this variant (Variation ID: 645051). Based on the evidence outlined above, the variant was classified as uncertain significance.

Ambry Genetics
Classification: Uncertain significance for Hereditary cancer-predisposing syndrome. Last evaluated: 2024-09-06. Review status: criteria provided, single submitter. Criteria: Ambry Variant Classification Scheme 2023. Collection method: clinical testing. Allele origin: germline.
Comment: The p.D162V variant (also known as c.485A>T), located in coding exon 3 of the CHEK2 gene, results from an A to T substitution at nucleotide position 485. The aspartic acid at codon 162 is replaced by valine, an amino acid with highly dissimilar properties. This amino acid position is highly conserved in available vertebrate species. In addition, this alteration is predicted to be deleterious by in silico analysis. Based on the available evidence, the clinical significance of this variant remains unclear.

Labcorp Genetics (formerly Invitae), Labcorp
Classification: Uncertain significance for Familial cancer of breast. Last evaluated: 2024-04-15. Review status: criteria provided, single submitter. Criteria: Invitae Variant Classification Sherloc (09022015). Collection method: clinical testing. Allele origin: germline.
Comment: This sequence change replaces aspartic acid, which is acidic and polar, with valine, which is neutral and non-polar, at codon 162 of the CHEK2 protein (p.Asp162Val). This variant is not present in population databases (gnomAD no frequency). This variant has not been reported in the literature in individuals affected with CHEK2-related conditions. ClinVar contains an entry for this variant (Variation ID: 645051). An algorithm developed to predict the effect of missense changes on protein structure and function (PolyPhen-2) suggests that this variant is likely to be disruptive. In summary, the available evidence is currently insufficient to determine the role of this variant in disease. Therefore, it has been classified as a Variant of Uncertain Significance.